The following is an entry in ClinVar:

ClinVar aggregate classification (germline): Likely pathogenic (1 of 4 stars; one submission).

Conditions:
Autosomal recessive polycystic kidney disease (ARPKD). Also called: AR polycystic kidney disease. Identifiers: Orphanet 731, Orphanet 8378, MedGen C0085548, MeSH D017044, MONDO:0009889.

Submission:

Natera, Inc.
Classification: Likely pathogenic for Autosomal recessive polycystic kidney disease. Last evaluated: 2024-10-16. Review status: criteria provided, single submitter. Criteria: Natera Variant Classification Schema (03/2026). Collection method: clinical testing. Allele origin: germline.
Comment: The c.11311_11317del variant in PKHD1 is a frameshift variant predicted to shift the reading frame beginning at codon 3771 and leads to a stop codon 2 codons downstream. This variant is expected to result in nonsense mediated decay, truncation, or a dysfunctional protein product. This variant is rare in the general population with a frequency below the threshold expected for the associated phenotype(s). Given the available evidence, this variant is classified as Likely Pathogenic.

NM_138694.4(PKHD1):c.11311_11317del (p.Asn3771fs)

Gene: PKHD1 (PKHD1 ciliary IPT domain containing fibrocystin/polyductin; minus strand). Cytogenetic location: 6p12.3.
Variant type: Deletion.
Coding change: c.11311_11317del on transcript NM_138694.4 (MANE Select); coding-DNA positions 11311 to 11317, 7 bases deleted (AATCGAA; older notation c.11311_11317delAATCGAA).
Protein change: p.Asn3771fs; shifts the reading frame from asparagine 3771.
Molecular consequence: frameshift variant.
Genome position (GRCh38, 1-based): chr6:51,648,112-51,648,118, TTCGATT deleted on the plus strand (AATCGAA on the coding strand, the reverse complement: PKHD1 is on the minus strand). VCF-style (leftmost placement, unchanged base first): chr6-51648111-CTTCGATT-C. GRCh37 (hg19) VCF-style: chr6-51512909-CTTCGATT-C.
Other names: short protein forms N3771fs.
Identifiers: ClinVar variation 4816549 (VCV004816549.1).